The following is an entry in ClinVar:

ClinVar aggregate classification (germline): Benign/Likely benign. Review status: criteria provided, multiple submitters, no conflicts (2 of 4 stars). 3 submissions from 3 submitters: Benign (2); Likely benign (1). Last evaluated 2023-11-30.

Conditions:
Nicolaides-Baraitser syndrome (NCBRS). Also called: SMARCA2-Related Nicolaides-Baraitser Syndrome; Intellectual disability-sparse hair-brachydactyly syndrome. Identifiers: Orphanet 3051, MedGen C1303073, MONDO:0011053, OMIM 601358.

Allele frequency attached by ClinVar (database versions not stated): gnomAD below 0.00001 and 0.00005; gnomAD exomes 0.00004 and 0.00009; ExAC 0.00014; 1000 Genomes Project 30x 0.00016; 1000 Genomes Project 0.00020.
gnomAD v4.1: 79 of 1,613,942 alleles (0.0049%); highest among the groups gnomAD compares: South Asian, 0.072%; no homozygotes.

Submissions (3):

Blueprint Genetics
Classification: Likely benign. Last evaluated: 2023-11-30. Review status: criteria provided, single submitter. Criteria: ACMG Guidelines, 2015. Collection method: clinical testing. Allele origin: germline.

Labcorp Genetics (formerly Invitae), Labcorp
Classification: Benign. Last evaluated: 2023-05-01. Review status: criteria provided, single submitter. Criteria: Invitae Variant Classification Sherloc (09022015). Collection method: clinical testing. Allele origin: germline.

Illumina Laboratory Services, Illumina
Classification: Benign for Nicolaides-Baraitser syndrome. Last evaluated: 2018-01-13. Review status: criteria provided, single submitter. Criteria: ICSL Variant Classification Criteria 13 December 2019. Collection method: clinical testing. Allele origin: germline.
Comment: This variant was observed in the ICSL laboratory as part of a predisposition screen in an ostensibly healthy population. It had not been previously curated by ICSL or reported in the Human Gene Mutation Database (HGMD: prior to June 1st, 2018), and was therefore a candidate for classification through an automated scoring system. Utilizing variant allele frequency, disease prevalence and penetrance estimates, and inheritance mode, an automated score was calculated to assess if this variant is too frequent to cause the disease. Based on the score and internal cut-off values, a variant classified as benign is not then subjected to further curation. The score for this variant resulted in a classification of benign for this disease.

NM_003070.5(SMARCA2):c.4584A>G (p.Ser1528=)

Gene: SMARCA2 (SWI/SNF related BAF chromatin remodeling complex subunit ATPase 2; plus strand). Cytogenetic location: 9p24.3.
Variant type: single nucleotide variant.
Coding change: c.4584A>G on transcript NM_003070.5 (MANE Select); coding-DNA position 4584, A replaced by G.
Protein change: p.Ser1528=; no amino-acid change (serine 1528 retained).
Molecular consequence: synonymous variant.
Genome position (GRCh38, 1-based): chr9:2,186,218, A>G. VCF-style: chr9-2186218-A-G. GRCh37 (hg19) VCF-style: chr9-2186218-A-G.
Other names: c.4584A>G, p.Ser1528= (NM_001289396.2); c.4356A>G, p.Ser1452= (NM_001289397.2); c.558A>G, p.Ser186= (NM_001289398.2); c.642A>G, p.Ser214= (NM_001289399.2); c.648A>G, p.Ser216= (NM_001289400.2); c.4530A>G, p.Ser1510= (NM_139045.4).
Identifiers: ClinVar variation 366254 (VCV000366254.10), dbSNP rs543880790, ClinGen allele CA4964226.
Genomic context (GRCh38, chr9:2,186,218, plus strand): 5'-AGAGGAAGAGAGTGAGGATGAAAGCAATGAAGAGGAGGAAGAGGAAGATGAAGAAGAGTC[A>G]GAGTCCGAGGGTAAGCCCAGACATTCGGGTCCTGTACATCTTTGCCCCTCCTCACCTGCA-3'
Protein context (NP_003061.3, residues 1518-1538): EEEEEEDEEE[Ser1528=]ESEAKSVKVK